The following is an entry in ClinVar:

NM_000069.3(CACNA1S):c.2839G>C (p.Val947Leu)

Gene: CACNA1S (calcium voltage-gated channel subunit alpha1 S; minus strand). Cytogenetic location: 1q32.1.
Variant type: single nucleotide variant.
Coding change: c.2839G>C on transcript NM_000069.3 (MANE Select); coding-DNA position 2839, G replaced by C.
Protein change: p.Val947Leu; replaces valine 947 with leucine.
Molecular consequence: missense variant.
Genome position (GRCh38, 1-based): chr1:201,065,852, C>G on the plus strand (G>C on the coding strand, the complement: CACNA1S is on the minus strand). VCF-style: chr1-201065852-C-G. GRCh37 (hg19) VCF-style: chr1-201034980-C-G.
Other names: short protein forms V947L.
Identifiers: ClinVar variation 1418402 (VCV001418402.7), dbSNP rs76460090, ClinGen allele CA344101248.

ClinVar aggregate classification (germline): Uncertain significance. Review status: criteria provided, multiple submitters, no conflicts (2 of 4 stars). 2 submissions from 2 submitters: Uncertain significance (2). Last evaluated 2025-07-18.

Conditions:
Hypokalemic periodic paralysis, type 1. Also called: Hypokalemic Periodic Paralysis Type 1 (AD); HypoPP. Identifiers: Orphanet 681, MedGen C3714580, MONDO:0042979, OMIM 170400.
Malignant hyperthermia, susceptibility to, 5 (MHS5). Also called: CACNA1S-Related Malignant Hyperthermia Susceptibility. Identifiers: Orphanet 423, MedGen C1866077, MONDO:0011163, OMIM 601887.

gnomAD v4.1: 1 of 1,613,680 alleles (0.000062%); highest among the groups gnomAD compares: Non-Finnish European, 0.000085%; no homozygotes.

Submissions (2):

Color Diagnostics, LLC DBA Color Health
Classification: Uncertain significance for Malignant hyperthermia, susceptibility to, 5. Last evaluated: 2025-07-18. Review status: criteria provided, single submitter. Criteria: ACMG Guidelines, 2015. Collection method: clinical testing. Allele origin: germline.
Comment: This missense variant replaces valine with leucine at codon 947 of the CACNA1S protein. Computational prediction suggests that this variant may have deleterious impact on protein structure and function. To our knowledge, functional studies have not been reported for this variant. This variant has not been reported in individuals affected with CACNA1S-related disorders in the literature. This variant has not been identified in the general population by the Genome Aggregation Database (gnomAD). The available evidence is insufficient to determine the role of this variant in disease conclusively. Therefore, this variant is classified as a Variant of Uncertain Significance.

Labcorp Genetics (formerly Invitae), Labcorp
Classification: Uncertain significance for Hypokalemic periodic paralysis, type 1; Malignant hyperthermia, susceptibility to, 5. Last evaluated: 2021-10-31. Review status: criteria provided, single submitter. Criteria: Invitae Variant Classification Sherloc (09022015). Collection method: clinical testing. Allele origin: germline.
Comment: In summary, the available evidence is currently insufficient to determine the role of this variant in disease. Therefore, it has been classified as a Variant of Uncertain Significance. Algorithms developed to predict the effect of missense changes on protein structure and function are either unavailable or do not agree on the potential impact of this missense change (SIFT: "Deleterious"; PolyPhen-2: "Probably Damaging"; Align-GVGD: "Class C0"). This variant has not been reported in the literature in individuals affected with CACNA1S-related conditions. This variant is not present in population databases (gnomAD no frequency). This sequence change replaces valine, which is neutral and non-polar, with leucine, which is neutral and non-polar, at codon 947 of the CACNA1S protein (p.Val947Leu).